The following is an entry in ClinVar:

ClinVar aggregate classification (germline): Pathogenic (1 of 4 stars; one submission).

Submission:

Labcorp Genetics (formerly Invitae), Labcorp
Classification: Pathogenic. Last evaluated: 2023-07-07. Review status: criteria provided, single submitter. Criteria: Invitae Variant Classification Sherloc (09022015). Collection method: clinical testing. Allele origin: germline.
Comment: This variant is not present in population databases (gnomAD no frequency). This sequence change creates a premature translational stop signal (p.Leu460Profs*5) in the CYP27B1 gene. While this is not anticipated to result in nonsense mediated decay, it is expected to disrupt the last 49 amino acid(s) of the CYP27B1 protein. This variant has not been reported in the literature in individuals affected with CYP27B1-related conditions. For these reasons, this variant has been classified as Pathogenic. This variant disrupts a region of the CYP27B1 protein in which other variant(s) (p.Arg492Trp) have been determined to be pathogenic (PMID: 22588163, 30282619, 35279323). This suggests that this is a clinically significant region of the protein, and that variants that disrupt it are likely to be disease-causing.

Literature cited by the submitters: PubMed 22588163; PubMed 30282619; PubMed 35279323.

NM_000785.4(CYP27B1):c.1376dup (p.Leu460fs)

Gene: CYP27B1 (cytochrome P450 family 27 subfamily B member 1; minus strand). Cytogenetic location: 12q14.1.
Variant type: Duplication.
Coding change: c.1376dup on transcript NM_000785.4 (MANE Select); coding-DNA position 1376, one base duplicated (G; older notation c.1376dupG).
Protein change: p.Leu460fs; shifts the reading frame from leucine 460.
Molecular consequence: frameshift variant.
Genome position (GRCh38, 1-based): chr12:57,763,648, C duplicated on the plus strand (G on the coding strand, the reverse complement: CYP27B1 is on the minus strand). VCF-style (leftmost placement, unchanged base first): chr12-57763647-G-GC. GRCh37 (hg19) VCF-style: chr12-58157430-G-GC.
Other names: short protein forms L460fs.
Identifiers: ClinVar variation 2736763 (VCV002736763.3), dbSNP rs2540915025, ClinGen allele CA2697559332.